The following is an entry in ClinVar:

ClinVar aggregate classification (germline): Conflicting classifications of pathogenicity. Review status: criteria provided, conflicting classifications (1 of 4 stars). 6 submissions from 6 submitters: Uncertain significance (5); Likely benign (1). Last evaluated 2026-08-13.

Conditions:
Hereditary nonpolyposis colorectal neoplasms. Identifiers: MedGen C0009405, MeSH D003123.
Hereditary cancer-predisposing syndrome. Also called: Neoplastic Syndromes, Hereditary; Hereditary neoplastic syndrome; Hereditary Cancer Syndrome; Tumor predisposition. Identifiers: Orphanet 140162, MedGen C0027672, MeSH D009386, MONDO:0015356.
Lynch syndrome. Identifiers: Orphanet 144, MedGen C4552100, MONDO:0005835. Disease mechanism: loss of function.
Lynch syndrome 4 (LYNCH4). Also called: Colorectal cancer, hereditary nonpolyposis, type 4; Hereditary non-polyposis colorectal cancer, type 4. Identifiers: Orphanet 144, MedGen C1838333, MONDO:0013699, OMIM 614337. Disease mechanism: loss of function.

Allele frequency attached by ClinVar (database versions not stated): gnomAD exomes below 0.00001; gnomAD 0.00001; TOPMed 0.00001.

Submissions (6):

Ambry Genetics
Classification: Likely benign for Hereditary cancer-predisposing syndrome. Last evaluated: 2026-08-13. Review status: criteria provided, single submitter. Criteria: Ambry Variant Classification Scheme 2023. Collection method: clinical testing. Allele origin: germline.

Color Diagnostics, LLC DBA Color Health
Classification: Uncertain significance for Hereditary cancer-predisposing syndrome. Last evaluated: 2025-07-11. Review status: criteria provided, single submitter. Criteria: ACMG Guidelines, 2015. Collection method: clinical testing. Allele origin: germline.
Comment: This missense variant replaces aspartic acid with asparagine at codon 464 of the PMS2 protein. Computational prediction suggests that this variant may not impact protein structure and function. To our knowledge, functional studies have not been reported for this variant. This variant has not been reported in individuals affected with PMS2-related disorders in the literature. This variant has not been identified in the general population by the Genome Aggregation Database (gnomAD). The available evidence is insufficient to determine the role of this variant in disease conclusively. Therefore, this variant is classified as a Variant of Uncertain Significance.

Labcorp Genetics (formerly Invitae), Labcorp
Classification: Uncertain significance for Hereditary nonpolyposis colorectal neoplasms. Last evaluated: 2025-03-04. Review status: criteria provided, single submitter. Criteria: Invitae Variant Classification Sherloc (09022015). Collection method: clinical testing. Allele origin: germline.
Comment: This sequence change replaces aspartic acid, which is acidic and polar, with asparagine, which is neutral and polar, at codon 464 of the PMS2 protein (p.Asp464Asn). This variant is not present in population databases (gnomAD no frequency). This variant has not been reported in the literature in individuals affected with PMS2-related conditions. ClinVar contains an entry for this variant (Variation ID: 439239). Invitae Evidence Modeling of protein sequence and biophysical properties (such as structural, functional, and spatial information, amino acid conservation, physicochemical variation, residue mobility, and thermodynamic stability) indicates that this missense variant is not expected to disrupt PMS2 protein function with a negative predictive value of 80%. In summary, the available evidence is currently insufficient to determine the role of this variant in disease. Therefore, it has been classified as a Variant of Uncertain Significance.

Baylor Genetics
Classification: Uncertain significance for Lynch syndrome 4. Last evaluated: 2023-12-19. Review status: criteria provided, single submitter. Criteria: ACMG Guidelines, 2015. Collection method: clinical testing. Allele origin: unknown.

All of Us Research Program, National Institutes of Health
Classification: Uncertain significance for Lynch syndrome. Last evaluated: 2023-12-15. Review status: criteria provided, single submitter. Criteria: ACMG Guidelines, 2015. Collection method: clinical testing. Allele origin: germline. Inheritance: Autosomal dominant inheritance. Observed: 2 variant alleles, 2 heterozygotes.
Comment: This missense variant replaces aspartic acid with asparagine at codon 464 of the PMS2 protein. Computational prediction suggests that this variant may not impact protein structure and function (internally defined REVEL score threshold <= 0.5, PMID: 27666373). To our knowledge, functional studies have not been reported for this variant. This variant has not been reported in individuals affected with hereditary cancer in the literature. This variant has not been identified in the general population by the Genome Aggregation Database (gnomAD). The available evidence is insufficient to determine the role of this variant in disease conclusively. Therefore, this variant is classified as a Variant of Uncertain Significance.

This study involves interpretation of variants in research participants for the purpose of population health screening. Participant phenotype was not available at the time of variant classification. Additional details can be found in publication PMID: 35346344, PMCID: PMC8962531

Quest Diagnostics Nichols Institute San Juan Capistrano
Classification: Uncertain significance. Last evaluated: 2017-01-23. Review status: criteria provided, single submitter. Criteria: Quest Diagnostics criteria. Collection method: clinical testing. Allele origin: germline.

Literature cited by the submitters: PubMed 22949387 (cited by Quest Diagnostics Nichols Institute San Juan Capistrano).

NM_000535.7(PMS2):c.1390G>A (p.Asp464Asn)

Gene: PMS2 (PMS1 homolog 2, mismatch repair system component; minus strand). Cytogenetic location: 7p22.1.
Variant type: single nucleotide variant.
Coding change: c.1390G>A on transcript NM_000535.7 (MANE Select); coding-DNA position 1390, G replaced by A.
Protein change: p.Asp464Asn; replaces aspartic acid 464 with asparagine.
Molecular consequence: missense variant. On other transcripts: non-coding transcript variant (1).
Genome position (GRCh38, 1-based): chr7:5,987,375, C>T on the plus strand (G>A on the coding strand, the complement: PMS2 is on the minus strand). VCF-style: chr7-5987375-C-T. GRCh37 (hg19) VCF-style: chr7-6027006-C-T.
Other names: c.985G>A, p.Asp329Asn (NM_001322003.2, NM_001322004.2, NM_001322005.2 and 1 more transcripts); c.1234G>A, p.Asp412Asn (NM_001322006.2); c.1072G>A, p.Asp358Asn (NM_001322007.2, NM_001322008.2); c.829G>A, p.Asp277Asn (NM_001322010.2); c.457G>A, p.Asp153Asn (NM_001322011.2, NM_001322012.2); c.817G>A, p.Asp273Asn (NM_001322013.2); c.1390G>A, p.Asp464Asn (NM_001322014.2); c.1081G>A, p.Asp361Asn (NM_001322015.2); short protein forms D464N, D153N, D361N, D277N, D329N, D412N, D273N, D358N.
Identifiers: ClinVar variation 439239 (VCV000439239.22), dbSNP rs1394213772, ClinGen allele CA366742155.